The following is an entry in ClinVar:

NM_006231.4(POLE):c.6810C>T (p.Leu2270=)

Gene: POLE (DNA polymerase epsilon, catalytic subunit; minus strand). Cytogenetic location: 12q24.33.
Variant type: single nucleotide variant.
Coding change: c.6810C>T on transcript NM_006231.4 (MANE Select); coding-DNA position 6810, C replaced by T.
Protein change: p.Leu2270=; no amino-acid change (leucine 2270 retained).
Molecular consequence: synonymous variant.
Genome position (GRCh38, 1-based): chr12:132,624,748, G>A on the plus strand (C>T on the coding strand, the complement: POLE is on the minus strand). VCF-style: chr12-132624748-G-A. GRCh37 (hg19) VCF-style: chr12-133201334-G-A.
Identifiers: ClinVar variation 484472 (VCV000484472.40), dbSNP rs757092767, ClinGen allele CA6891957.

ClinVar aggregate classification (germline): Likely benign. Review status: criteria provided, multiple submitters, no conflicts (2 of 4 stars). 4 submissions from 4 submitters: Likely benign (4). Last evaluated 2025-12-03.

Conditions:
Hereditary cancer-predisposing syndrome. Also called: Hereditary neoplastic syndrome; Tumor predisposition; Neoplastic Syndromes, Hereditary; Hereditary Cancer Syndrome. Identifiers: Orphanet 140162, MedGen C0027672, MeSH D009386, MONDO:0015356.

Allele frequency attached by ClinVar (database versions not stated): gnomAD exomes below 0.00001; ExAC 0.00001; TOPMed 0.00002; gnomAD 0.00006.
gnomAD v4.1: 9 of 1,613,840 alleles (0.00056%); highest among the groups gnomAD compares: African/African-American, 0.0067%; no homozygotes.

Submissions (4):

Labcorp Genetics (formerly Invitae), Labcorp
Classification: Likely benign. Last evaluated: 2025-12-03. Review status: criteria provided, single submitter. Criteria: Invitae Variant Classification Sherloc (09022015). Collection method: clinical testing. Allele origin: germline.

CeGaT Center for Human Genetics Tuebingen
Classification: Likely benign. Last evaluated: 2023-01-01. Review status: criteria provided, single submitter. Criteria: CeGaT Center For Human Genetics Tuebingen Variant Classification Criteria Version 2. Collection method: clinical testing. Allele origin: germline. Affected: yes. Observed: 1 variant allele.
Comment: POLE: BP4, BP7

Women's Health and Genetics/Laboratory Corporation of America, LabCorp
Classification: Likely benign. Last evaluated: 2020-01-31. Review status: criteria provided, single submitter. Criteria: LabCorp Variant Classification Summary - May 2015. Collection method: clinical testing. Allele origin: germline.

Ambry Genetics
Classification: Likely benign for Hereditary cancer-predisposing syndrome. Last evaluated: 2017-05-15. Review status: criteria provided, single submitter. Criteria: Ambry Variant Classification Scheme 2023. Collection method: clinical testing. Allele origin: germline.